The following is an entry in ClinVar:

ClinVar aggregate classification (germline): Pathogenic (1 of 4 stars; one submission).

Submission:

Labcorp Genetics (formerly Invitae), Labcorp
Classification: Pathogenic. Last evaluated: 2022-09-13. Review status: criteria provided, single submitter. Criteria: Invitae Variant Classification Sherloc (09022015). Collection method: clinical testing. Allele origin: germline.
Comment: For these reasons, this variant has been classified as Pathogenic. This variant has not been reported in the literature in individuals affected with DOCK6-related conditions. This variant is a gross deletion of the genomic region encompassing exon(s) 29-39 of the DOCK6 gene. This deletion is out-of-frame, and is expected to create a premature termination codon and result in an absent or disrupted protein product. Loss-of-function variants in DOCK6 are known to be pathogenic (PMID: 21820096, 25824905).

Literature cited by the submitters: PubMed 21820096; PubMed 25824905.

NC_000019.9:g.(?_11319342)_(11328087_?)del

Gene: DOCK6 (dedicator of cytokinesis 6; minus strand). Cytogenetic location: 19p13.2.
Variant type: Deletion.
Identifiers: ClinVar variation 1455847 (VCV001455847.5).